The following is an entry in ClinVar:

ClinVar aggregate classification (germline): Uncertain significance (1 of 4 stars; one submission).

Submission:

Ambry Genetics
Classification: Uncertain significance. Last evaluated: 2023-05-11. Review status: criteria provided, single submitter. Criteria: Ambry Variant Classification Scheme 2023. Collection method: clinical testing. Allele origin: germline.
Comment: The p.T974A variant (also known as c.2920A>G), located in coding exon 4 of the ALPK2 gene, results from an A to G substitution at nucleotide position 2920. The threonine at codon 974 is replaced by alanine, an amino acid with similar properties. This amino acid position is conserved. In addition, this alteration is predicted to be tolerated by in silico analysis. Since supporting evidence is limited at this time, the clinical significance of this alteration remains unclear.

NM_052947.4(ALPK2):c.2920A>G (p.Thr974Ala)

Gene: ALPK2 (alpha kinase 2; minus strand). Cytogenetic location: 18q21.31.
Variant type: single nucleotide variant.
Coding change: c.2920A>G on transcript NM_052947.4 (MANE Select); coding-DNA position 2920, A replaced by G.
Protein change: p.Thr974Ala; replaces threonine 974 with alanine.
Molecular consequence: missense variant.
Genome position (GRCh38, 1-based): chr18:58,537,267, T>C on the plus strand (A>G on the coding strand, the complement: ALPK2 is on the minus strand). VCF-style: chr18-58537267-T-C. GRCh37 (hg19) VCF-style: chr18-56204499-T-C.
Other names: short protein forms T974A.
Identifiers: ClinVar variation 2564072 (VCV002564072.2), dbSNP rs1176532346, ClinGen allele CA402569486.